The following is an entry in ClinVar:

ClinVar aggregate classification (germline): Conflicting classifications of pathogenicity. Review status: criteria provided, conflicting classifications (1 of 4 stars). 3 submissions from 3 submitters: Uncertain significance (2); Likely benign (1). Last evaluated 2025-06-20.

Conditions:
Retinoblastoma (RB1). Also called: RETINOBLASTOMA, SOMATIC. Identifiers: Orphanet 790, MedGen C0035335, MeSH D012175, MONDO:0008380, OMIM 180200, HP:0009919. Disease mechanism: loss of function. Inheritance: Both sporadic and heritable forms are tested..
Hereditary cancer-predisposing syndrome. Also called: Hereditary Cancer Syndrome; Neoplastic Syndromes, Hereditary; Tumor predisposition; Hereditary neoplastic syndrome. Identifiers: Orphanet 140162, MedGen C0027672, MeSH D009386, MONDO:0015356.

Allele frequency attached by ClinVar (database versions not stated): ExAC 0.00001.

Submissions (3):

Color Diagnostics, LLC DBA Color Health
Classification: Uncertain significance for Retinoblastoma. Last evaluated: 2025-06-20. Review status: criteria provided, single submitter. Criteria: ACMG Guidelines, 2015. Collection method: clinical testing. Allele origin: germline.
Comment: This missense variant replaces methionine with valine at codon 148 of the RB1 protein. Computational prediction suggests that this variant may not impact protein structure and function. To our knowledge, functional studies have not been reported for this variant. This variant has not been reported in individuals affected with RB1-related disorders in the literature. This variant has been identified in 1/250798 chromosomes in the general population by the Genome Aggregation Database (gnomAD). The available evidence is insufficient to determine the role of this variant in disease conclusively. Therefore, this variant is classified as a Variant of Uncertain Significance.

Ambry Genetics
Classification: Likely benign for Hereditary cancer-predisposing syndrome. Last evaluated: 2024-01-11. Review status: criteria provided, single submitter. Criteria: Ambry Variant Classification Scheme 2023. Collection method: clinical testing. Allele origin: germline.

Labcorp Genetics (formerly Invitae), Labcorp
Classification: Uncertain significance for Retinoblastoma. Last evaluated: 2023-04-09. Review status: criteria provided, single submitter. Criteria: Invitae Variant Classification Sherloc (09022015). Collection method: clinical testing. Allele origin: germline.
Comment: In summary, the available evidence is currently insufficient to determine the role of this variant in disease. Therefore, it has been classified as a Variant of Uncertain Significance. Advanced modeling of protein sequence and biophysical properties (such as structural, functional, and spatial information, amino acid conservation, physicochemical variation, residue mobility, and thermodynamic stability) performed at Invitae indicates that this missense variant is not expected to disrupt RB1 protein function. ClinVar contains an entry for this variant (Variation ID: 2181247). This variant has not been reported in the literature in individuals affected with RB1-related conditions. This variant is present in population databases (rs748717860, gnomAD 0.0009%). This sequence change replaces methionine, which is neutral and non-polar, with valine, which is neutral and non-polar, at codon 148 of the RB1 protein (p.Met148Val).

NM_000321.3(RB1):c.442A>G (p.Met148Val)

Gene: RB1 (RB transcriptional corepressor 1; plus strand). Cytogenetic location: 13q14.2.
Variant type: single nucleotide variant.
Coding change: c.442A>G on transcript NM_000321.3 (MANE Select); coding-DNA position 442, A replaced by G.
Protein change: p.Met148Val; replaces methionine 148 with valine.
Molecular consequence: missense variant.
Genome position (GRCh38, 1-based): chr13:48,345,141, A>G. VCF-style: chr13-48345141-A-G. GRCh37 (hg19) VCF-style: chr13-48919277-A-G.
Other names: c.442A>G, p.Met148Val (NM_001407165.1, NM_001407166.1); short protein forms M148V.
Identifiers: ClinVar variation 2181247 (VCV002181247.5), dbSNP rs748717860, ClinGen allele CA038167.